The following is an entry in ClinVar:

NM_002775.5(HTRA1):c.1251A>G (p.Val417=)

Gene: HTRA1 (HtrA serine peptidase 1; plus strand). Cytogenetic location: 10q26.13.
Variant type: single nucleotide variant.
Coding change: c.1251A>G on transcript NM_002775.5 (MANE Select); coding-DNA position 1251, A replaced by G.
Protein change: p.Val417=; no amino-acid change (valine 417 retained).
Molecular consequence: synonymous variant.
Genome position (GRCh38, 1-based): chr10:122,512,042, A>G. VCF-style: chr10-122512042-A-G. GRCh37 (hg19) VCF-style: chr10-124271558-A-G.
Other names: p.Val417=.
Identifiers: ClinVar variation 4683559 (VCV004683559.1).

ClinVar aggregate classification (germline): Likely benign (1 of 4 stars; one submission).

Submission:

Mayo Clinic Laboratories, Mayo Clinic
Classification: Likely benign. Last evaluated: 2025-11-15. Review status: criteria provided, single submitter. Criteria: ACMG Guidelines, 2015. Collection method: clinical testing. Allele origin: germline. Observed: 1 variant allele.
Comment: BP4, BP7, PM2_supporting